The following is an entry in ClinVar:

NM_000553.6(WRN):c.3308del (p.Lys1103fs)

Gene: WRN (WRN RecQ like helicase; plus strand). Cytogenetic location: 8p12.
Variant type: Deletion.
Coding change: c.3308del on transcript NM_000553.6 (MANE Select); coding-DNA position 3308, one base deleted (A; older notation c.3308delA).
Protein change: p.Lys1103fs; shifts the reading frame from lysine 1103.
Molecular consequence: frameshift variant.
Genome position (GRCh38, 1-based): chr8:31,142,700, A deleted; the last of 2 consecutive A bases (chr8:31,142,699-31,142,700); deleting either gives the same sequence. VCF-style (leftmost placement, unchanged base first): chr8-31142698-GA-G. GRCh37 (hg19) VCF-style: chr8-31000214-GA-G.
Other names: short protein forms K1103fs.
Identifiers: ClinVar variation 863728 (VCV000863728.6), dbSNP rs1802694719, ClinGen allele CA916081502.

ClinVar aggregate classification (germline): Pathogenic (1 of 4 stars; one submission).

Conditions:
Werner syndrome (WRN). Identifiers: Orphanet 902, MedGen C0043119, MONDO:0010196, OMIM 277700.

Submission:

Labcorp Genetics (formerly Invitae), Labcorp
Classification: Pathogenic for Werner syndrome. Last evaluated: 2019-02-20. Review status: criteria provided, single submitter. Criteria: Invitae Variant Classification Sherloc (09022015). Collection method: clinical testing. Allele origin: germline.
Comment: For these reasons, this variant has been classified as Pathogenic. Loss-of-function variants in WRN are known to be pathogenic (PMID: 16673358). This variant has not been reported in the literature in individuals with WRN-related conditions. This variant is not present in population databases (ExAC no frequency). This sequence change creates a premature translational stop signal (p.Lys1103Serfs*59) in the WRN gene. It is expected to result in an absent or disrupted protein product.

Literature cited by the submitters: PubMed 16673358.